The following is an entry in ClinVar:

NM_015295.3(SMCHD1):c.3872A>G (p.Asn1291Ser)

Gene: SMCHD1 (structural maintenance of chromosomes flexible hinge domain containing 1; plus strand). Cytogenetic location: 18p11.32.
Variant type: single nucleotide variant.
Coding change: c.3872A>G on transcript NM_015295.3 (MANE Select); coding-DNA position 3872, A replaced by G.
Protein change: p.Asn1291Ser; replaces asparagine 1291 with serine.
Molecular consequence: missense variant.
Genome position (GRCh38, 1-based): chr18:2,747,592, A>G. VCF-style: chr18-2747592-A-G. GRCh37 (hg19) VCF-style: chr18-2747590-A-G.
Other names: c.3872A>G (NM_015295.2); short protein forms N1291S.
Identifiers: ClinVar variation 285599 (VCV000285599.31), dbSNP rs201497685, ClinGen allele CA8871328.

ClinVar aggregate classification (germline): Conflicting classifications of pathogenicity. Review status: criteria provided, conflicting classifications (1 of 4 stars). 5 submissions from 5 submitters: Uncertain significance (1); Benign (1); Likely benign (3). Last evaluated 2026-01-20.

Conditions:
Facioscapulohumeral muscular dystrophy 2 (FSHD2). Also called: MUSCULAR DYSTROPHY, FACIOSCAPULOHUMERAL, TYPE 1B; FACIOSCAPULOHUMERAL MUSCULAR DYSTROPHY 2, DIGENIC; FSHD2, DIGENIC. Identifiers: Orphanet 269, MedGen C1834671, MONDO:0008031, OMIM 158901.

Allele frequency attached by ClinVar (database versions not stated): ESP Exome Variant Server 0.00009; gnomAD exomes 0.00015 and 0.00031; gnomAD 0.00016 and 0.00017; TOPMed 0.00019; ExAC 0.00026.
gnomAD v4.1: 269 of 1,610,754 alleles (0.017%); highest among the groups gnomAD compares: Non-Finnish European, 0.002%; no homozygotes.

Submissions (5):

Labcorp Genetics (formerly Invitae), Labcorp
Classification: Benign for Facioscapulohumeral muscular dystrophy 2. Last evaluated: 2026-01-20. Review status: criteria provided, single submitter. Criteria: Invitae Variant Classification Sherloc (09022015). Collection method: clinical testing. Allele origin: germline.

GeneDx
Classification: Uncertain significance. Last evaluated: 2025-07-02. Review status: criteria provided, single submitter. Criteria: GeneDx Variant Classification Process June 2021. Collection method: clinical testing. Allele origin: germline. Affected: yes.
Comment: In silico analysis supports that this missense variant has a deleterious effect on protein structure/function; Has not been previously published as pathogenic or benign to our knowledge

CeGaT Center for Human Genetics Tuebingen
Classification: Likely benign. Last evaluated: 2024-06-01. Review status: criteria provided, single submitter. Criteria: CeGaT Center For Human Genetics Tuebingen Variant Classification Criteria Version 2. Collection method: clinical testing. Allele origin: germline. Affected: yes. Observed: 1 variant allele.
Comment: SMCHD1: BP4

Blueprint Genetics
Classification: Likely benign. Last evaluated: 2021-07-27. Review status: criteria provided, single submitter. Criteria: ACMG Guidelines, 2015. Collection method: clinical testing. Allele origin: germline.

Eurofins Ntd Llc (ga)
Classification: Likely benign. Last evaluated: 2017-02-28. Review status: criteria provided, single submitter. Criteria: EGL Classification Definitions 2015. Collection method: clinical testing. Allele origin: germline. Observed: 2 variant alleles, 2 heterozygotes.